The following is an entry in ClinVar:

ClinVar aggregate classification (germline): Likely pathogenic (1 of 4 stars; one submission).

Conditions:
Autosomal dominant SCN1A-related disorders.

Submission:

Variantyx, Inc.
Classification: Likely pathogenic for Autosomal dominant SCN1A-related disorders. Last evaluated: 2025-08-21. Review status: criteria provided, single submitter. Criteria: Variantyx Assertion Criteria 2022. Collection method: clinical testing. Allele origin: germline. Inheritance: Autosomal dominant inheritance. Affected: yes.
Comment: This is a frameshift variant in the SCN1A gene (OMIM: 182389). Pathogenic variants in this gene have been associated with autosomal dominant SCN1A-related disorders. This variant introduces a premature termination codon in exon 14 out of 29 and is expected to result in loss of function, which is a known disease mechanism for SCN1A in this disorder (PMID: 35359575, 34293681) (PVS1). This variant is absent from control populations (PM2) and it has not been reported in individuals with SCN1A-related disorders in the databases available for review. Based on the current evidence, this variant is classified as likely pathogenic for autosomal dominant SCN1A-related disorders.

Literature cited by the submitters: PubMed 35359575; PubMed 34293681.

NM_001165963.4(SCN1A):c.1849del (p.Arg617fs)

Gene: SCN1A (sodium voltage-gated channel alpha subunit 1; minus strand). Cytogenetic location: 2q24.3.
Variant type: Deletion.
Coding change: c.1849del on transcript NM_001165963.4 (MANE Select); coding-DNA position 1849, one base deleted (A; older notation c.1849delA).
Protein change: p.Arg617fs; shifts the reading frame from arginine 617.
Molecular consequence: frameshift variant. On other transcripts: 5 prime UTR variant (1), non-coding transcript variant (1).
Genome position (GRCh38, 1-based): chr2:166,043,863, T deleted on the plus strand (A on the coding strand, the reverse complement: SCN1A is on the minus strand). VCF-style (leftmost placement, unchanged base first): chr2-166043862-CT-C. GRCh37 (hg19) VCF-style: chr2-166900372-CT-C.
Other names: c.1849del, p.Arg617fs (NM_001165964.3, NM_001202435.3, NM_001353948.2 and 7 more transcripts); c.1846del, p.Arg616fs (NM_001353954.2, NM_001353955.2, NM_001353960.2); c.-577del (NM_001353961.2); short protein forms R616fs, R617fs.
Identifiers: ClinVar variation 4852169 (VCV004852169.1).
Genomic context (GRCh38, chr2:166,043,862, plus strand): 5'-GCTGGAAACACTGCCAGCATCCGGGATGACCTACTGGTCTGACTCAGGTTGCTGTTGCGT[CT>C]CTCTCCGTGTCGTCGGGGCACAAACAAGGAATCTCTACGGCTCTCGTTATCCTCAAAGGT-3'